The following is an entry in ClinVar:

ClinVar aggregate classification (germline): Uncertain significance (1 of 4 stars; one submission).

Conditions:
Baller-Gerold syndrome (BGS). Also called: CRANIOSYNOSTOSIS WITH RADIAL DEFECTS. Identifiers: Orphanet 1225, MedGen C0265308, MONDO:0009039, OMIM 218600.

gnomAD v4.1: 1 of 1,612,528 alleles (0.000062%); highest among the groups gnomAD compares: Non-Finnish European, 0.000085%; no homozygotes.

Submission:

Labcorp Genetics (formerly Invitae), Labcorp
Classification: Uncertain significance for Baller-Gerold syndrome. Last evaluated: 2024-05-09. Review status: criteria provided, single submitter. Criteria: Invitae Variant Classification Sherloc (09022015). Collection method: clinical testing. Allele origin: germline.
Comment: This sequence change replaces glutamic acid, which is acidic and polar, with aspartic acid, which is acidic and polar, at codon 1029 of the RECQL4 protein (p.Glu1029Asp). This variant is not present in population databases (gnomAD no frequency). This variant has not been reported in the literature in individuals affected with RECQL4-related conditions. ClinVar contains an entry for this variant (Variation ID: 1021533). Advanced modeling of protein sequence and biophysical properties (such as structural, functional, and spatial information, amino acid conservation, physicochemical variation, residue mobility, and thermodynamic stability) has been performed at Invitae for this missense variant, however the output from this modeling did not meet the statistical confidence thresholds required to predict the impact of this variant on RECQL4 protein function. In summary, the available evidence is currently insufficient to determine the role of this variant in disease. Therefore, it has been classified as a Variant of Uncertain Significance.

NM_004260.4(RECQL4):c.3087G>T (p.Glu1029Asp)

Gene: RECQL4 (RecQ like helicase 4; minus strand). Cytogenetic location: 8q24.3.
Variant type: single nucleotide variant.
Coding change: c.3087G>T on transcript NM_004260.4 (MANE Select); coding-DNA position 3087, G replaced by T.
Protein change: p.Glu1029Asp; replaces glutamic acid 1029 with aspartic acid.
Molecular consequence: missense variant.
Genome position (GRCh38, 1-based): chr8:144,512,293, C>A on the plus strand (G>T on the coding strand, the complement: RECQL4 is on the minus strand). VCF-style: chr8-144512293-C-A. GRCh37 (hg19) VCF-style: chr8-145737676-C-A.
Other names: short protein forms E1029D.
Identifiers: ClinVar variation 1021533 (VCV001021533.5), dbSNP rs767786765, ClinGen allele CA372670744.